The following is an entry in ClinVar:

NM_001290321.3(DMXL1):c.2721G>A (p.Ala907=)

Gene: DMXL1 (Dmx like 1; plus strand). Cytogenetic location: 5q23.1.
Variant type: single nucleotide variant.
Coding change: c.2721G>A on transcript NM_001290321.3 (MANE Select); coding-DNA position 2721, G replaced by A.
Protein change: p.Ala907=; no amino-acid change (alanine 907 retained).
Molecular consequence: synonymous variant. On other transcripts: non-coding transcript variant (3), intron variant (1).
Genome position (GRCh38, 1-based): chr5:119,147,280, G>A. VCF-style: chr5-119147280-G-A. GRCh37 (hg19) VCF-style: chr5-118482975-G-A.
Other names: c.2721G>A, p.Ala907= (NM_001349239.2, NM_001349240.2, NM_001387933.1 and 2 more transcripts); c.2016G>A, p.Ala672= (NM_001387937.1); c.1925-1459G>A (NM_001387938.1).
Identifiers: ClinVar variation 3042044 (VCV003042044.2), dbSNP rs112673276, ClinGen allele CA3379790.

ClinVar aggregate classification (germline): Benign (0 of 4 stars; one submission).

Conditions:
DMXL1-related disorder. Also called: DMXL1-related condition.

Allele frequency attached by ClinVar (database versions not stated): gnomAD exomes 0.00321; ExAC 0.01001; 1000 Genomes Project 0.03335; ESP Exome Variant Server 0.03538; 1000 Genomes Project 30x 0.03560.
gnomAD v4.1: 9,650 of 1,613,162 alleles (0.6%); highest among the groups gnomAD compares: African/African-American, 11%; 438 homozygotes.

Submission:

PreventionGenetics, part of Exact Sciences
Classification: Benign for DMXL1-related condition. Last evaluated: 2019-03-21. Review status: no assertion criteria provided. Collection method: clinical testing. Allele origin: germline.
Comment: This variant is classified as benign based on ACMG/AMP sequence variant interpretation guidelines (Richards et al. 2015 PMID: 25741868, with internal and published modifications).